The following is an entry in ClinVar:

NM_004329.3(BMPR1A):c.1263C>A (p.His421Gln)

Gene: BMPR1A (bone morphogenetic protein receptor type 1A; plus strand). Cytogenetic location: 10q23.2.
Variant type: single nucleotide variant.
Coding change: c.1263C>A on transcript NM_004329.3 (MANE Select); coding-DNA position 1263, C replaced by A.
Protein change: p.His421Gln; replaces histidine 421 with glutamine.
Molecular consequence: missense variant. On other transcripts: non-coding transcript variant (3).
Genome position (GRCh38, 1-based): chr10:86,921,616, C>A. VCF-style: chr10-86921616-C-A. GRCh37 (hg19) VCF-style: chr10-88681373-C-A.
Other names: c.1338C>A, p.His446Gln (NM_001406559.1); c.1311C>A, p.His437Gln (NM_001406560.1); c.1263C>A, p.His421Gln (NM_001406561.1, NM_001406562.1, NM_001406563.1 and 19 more transcripts); c.1257C>A, p.His419Gln (NM_001406583.1); c.1179C>A, p.His393Gln (NM_001406584.1, NM_001406585.1, NM_001406586.1 and 2 more transcripts); c.921C>A, p.His307Gln (NM_001406589.1); short protein forms H307Q, H419Q, H437Q, H393Q, H421Q, H446Q.
Identifiers: ClinVar variation 4717837 (VCV004717837.1).
Genomic context (GRCh38, chr10:86,921,616, plus strand): 5'-GGTGGGCACCAAACGCTACATGGCTCCCGAAGTGCTGGACGAAAGCCTGAACAAAAACCA[C>A]TTCCAGCCCTACATCATGGCTGACATCTACAGCTTCGGCCTAATCATTTGGGAGATGGCT-3'
Protein context (NP_004320.2, residues 411-431): EVLDESLNKN[His421Gln]FQPYIMADIY

ClinVar aggregate classification (germline): Uncertain significance (1 of 4 stars; one submission).

Conditions:
Juvenile polyposis syndrome (JPS). Identifiers: Orphanet 2929, MedGen C0345893, MONDO:0017380, OMIM 174900.

Submission:

Labcorp Genetics (formerly Invitae), Labcorp
Classification: Uncertain significance for Juvenile polyposis syndrome. Last evaluated: 2025-03-07. Review status: criteria provided, single submitter. Criteria: Invitae Variant Classification Sherloc (09022015). Collection method: clinical testing. Allele origin: germline.
Comment: This sequence change replaces histidine, which is basic and polar, with glutamine, which is neutral and polar, at codon 421 of the BMPR1A protein (p.His421Gln). This variant is not present in population databases (gnomAD no frequency). This variant has not been reported in the literature in individuals affected with BMPR1A-related conditions. Invitae Evidence Modeling of protein sequence and biophysical properties (such as structural, functional, and spatial information, amino acid conservation, physicochemical variation, residue mobility, and thermodynamic stability) indicates that this missense variant is not expected to disrupt BMPR1A protein function with a negative predictive value of 80%. In summary, the available evidence is currently insufficient to determine the role of this variant in disease. Therefore, it has been classified as a Variant of Uncertain Significance.